The following is an entry in ClinVar:

NM_020921.4(NIN):c.229A>G (p.Arg77Gly)

Gene: NIN (ninein; minus strand). Cytogenetic location: 14q22.1.
Variant type: single nucleotide variant.
Coding change: c.229A>G on transcript NM_020921.4 (MANE Select); coding-DNA position 229, A replaced by G.
Protein change: p.Arg77Gly; replaces arginine 77 with glycine.
Molecular consequence: missense variant.
Genome position (GRCh38, 1-based): chr14:50,806,773, T>C on the plus strand (A>G on the coding strand, the complement: NIN is on the minus strand). VCF-style: chr14-50806773-T-C. GRCh37 (hg19) VCF-style: chr14-51273491-T-C.
Other names: c.229A>G, p.Arg77Gly (NM_016350.5, NM_182944.3, NM_182946.2); c.229A>G (NM_020921.3); short protein forms R77G.
Identifiers: ClinVar variation 2065604 (VCV002065604.5), dbSNP rs138088144, ClinGen allele CA7182554.

ClinVar aggregate classification (germline): Uncertain significance. Review status: criteria provided, multiple submitters, no conflicts (2 of 4 stars). 2 submissions from 2 submitters: Uncertain significance (2). Last evaluated 2025-11-05.

Allele frequency attached by ClinVar (database versions not stated): gnomAD exomes 0.00001; ExAC 0.00004; 1000 Genomes Project 30x 0.00016; TOPMed 0.00017; 1000 Genomes Project 0.00020; ESP Exome Variant Server 0.00008; gnomAD 0.00017.
gnomAD v4.1: 40 of 1,589,188 alleles (0.0025%); highest among the groups gnomAD compares: African/African-American, 0.054%; no homozygotes.

Submissions (2):

Ambry Genetics
Classification: Uncertain significance. Last evaluated: 2025-11-05. Review status: criteria provided, single submitter. Criteria: Ambry Variant Classification Scheme 2023. Collection method: clinical testing. Allele origin: germline.

Labcorp Genetics (formerly Invitae), Labcorp
Classification: Uncertain significance. Last evaluated: 2024-01-25. Review status: criteria provided, single submitter. Criteria: Invitae Variant Classification Sherloc (09022015). Collection method: clinical testing. Allele origin: germline.
Comment: This sequence change replaces arginine, which is basic and polar, with glycine, which is neutral and non-polar, at codon 77 of the NIN protein (p.Arg77Gly). This variant is present in population databases (rs138088144, gnomAD 0.06%), and has an allele count higher than expected for a pathogenic variant. This variant has not been reported in the literature in individuals affected with NIN-related conditions. ClinVar contains an entry for this variant (Variation ID: 2065604). An algorithm developed to predict the effect of missense changes on protein structure and function (PolyPhen-2) suggests that this variant is likely to be disruptive. In summary, the available evidence is currently insufficient to determine the role of this variant in disease. Therefore, it has been classified as a Variant of Uncertain Significance.